The following is an entry in ClinVar:

ClinVar aggregate classification (germline): Conflicting classifications of pathogenicity. Review status: criteria provided, conflicting classifications (1 of 4 stars). 7 submissions from 7 submitters: Uncertain significance (3); Likely benign (2). 2 of the submissions do not count toward it. Last evaluated 2026-02-04.

Conditions:
Nemaline myopathy 2 (NEM2). Also called: Nemaline myopathy 2, autosomal recessive. Identifiers: MedGen C1850569, MONDO:0009725, OMIM 256030.
Arthrogryposis multiplex congenita 6. Identifiers: MedGen C5543431, MONDO:0030281, OMIM 619334.
NEB-related disorder. Also called: NEB-related condition; NEB-Related Disorders.

Allele frequency attached by ClinVar (database versions not stated): ExAC 0.00009; gnomAD 0.00016 and 0.00017; TOPMed 0.00018.
gnomAD v4.1: 392 of 1,543,878 alleles (0.025%); highest among the groups gnomAD compares: Admixed American, 0.035%; no homozygotes.

Submissions (7):

Labcorp Genetics (formerly Invitae), Labcorp
Classification: Likely benign for Nemaline myopathy 2. Last evaluated: 2026-02-04. Review status: criteria provided, single submitter. Criteria: Invitae Variant Classification Sherloc (09022015). Collection method: clinical testing. Allele origin: germline.

Revvity Omics, Revvity
Classification: Likely benign. Last evaluated: 2025-07-09. Review status: criteria provided, single submitter. Criteria: ACMG Guidelines, 2015. Collection method: clinical testing. Allele origin: germline.

GeneDx
Classification: Uncertain significance. Last evaluated: 2024-12-06. Review status: criteria provided, single submitter. Criteria: GeneDx Variant Classification Process June 2021. Collection method: clinical testing. Allele origin: germline. Affected: yes.
Comment: In silico analysis indicates that this missense variant does not alter protein structure/function; Has not been previously published as pathogenic or benign to our knowledge

Blueprint Genetics
Classification: Uncertain significance. Last evaluated: 2023-09-08. Review status: criteria provided, single submitter. Criteria: ACMG Guidelines, 2015. Collection method: clinical testing. Allele origin: germline.

Department of Pathology and Laboratory Medicine, Sinai Health System
Classification: Uncertain significance for Nemaline myopathy 2; Arthrogryposis multiplex congenita 6. Last evaluated: 2021-07-30. Review status: criteria provided, single submitter. Criteria: ACMG Guidelines, 2015. Collection method: research. Allele origin: germline.

PreventionGenetics, part of Exact Sciences
Classification: Uncertain significance for NEB-related condition. Last evaluated: 2024-03-31. Review status: no assertion criteria provided. Collection method: clinical testing. Allele origin: germline. Not counted in ClinVar's aggregate classification.
Comment: The NEB c.24146T>C variant is predicted to result in the amino acid substitution p.Val8049Ala. To our knowledge, this variant has not been reported in the literature. This variant is reported in 0.040% of alleles in individuals of Latino descent in gnomAD. At this time, the clinical significance of this variant is uncertain due to the absence of conclusive functional and genetic evidence.

Natera, Inc.
Classification: Uncertain significance for Nemaline myopathy type 2. Last evaluated: 2019-12-30. Review status: no assertion criteria provided. Collection method: clinical testing. Allele origin: germline. Not counted in ClinVar's aggregate classification.

NM_001164508.2(NEB):c.24041T>C (p.Val8014Ala)

Genes: NEB (nebulin; minus strand), RIF1 (replication timing regulatory factor 1; plus strand). Cytogenetic location: 2q23.3.
Variant type: single nucleotide variant.
Coding change: c.24041T>C on transcript NM_001164508.2 (MANE Select); coding-DNA position 24041, T replaced by C.
Protein change: p.Val8014Ala; replaces valine 8014 with alanine.
Molecular consequence: missense variant. On other transcripts: intron variant (1).
Genome position (GRCh38, 1-based): chr2:151,499,371, A>G on the plus strand (T>C on the coding strand, the complement: NEB is on the minus strand). VCF-style: chr2-151499371-A-G. GRCh37 (hg19) VCF-style: chr2-152355885-A-G.
Other names: c.24041T>C, p.Val8014Ala (NM_001164507.2); c.24146T>C, p.Val8049Ala (NM_001271208.2); c.18826-3003T>C (NM_004543.5); short protein forms V8049A, V8014A.
Identifiers: ClinVar variation 506584 (VCV000506584.25), dbSNP rs200269437, ClinGen allele CA1906159.